The following is an entry in ClinVar:

NM_000551.4(VHL):c.205C>G (p.Arg69Gly)

Gene: VHL (von Hippel-Lindau tumor suppressor; plus strand). Cytogenetic location: 3p25.3.
Variant type: single nucleotide variant.
Coding change: c.205C>G on transcript NM_000551.4 (MANE Select); coding-DNA position 205, C replaced by G.
Protein change: p.Arg69Gly; replaces arginine 69 with glycine.
Molecular consequence: missense variant.
Genome position (GRCh38, 1-based): chr3:10,142,052, C>G. VCF-style: chr3-10142052-C-G. GRCh37 (hg19) VCF-style: chr3-10183736-C-G.
Other names: c.205C>G, p.Arg69Gly (NM_001354723.2, NM_198156.3); short protein forms R69G.
Identifiers: ClinVar variation 573437 (VCV000573437.20), dbSNP rs1428175816, ClinGen allele CA351748904.

ClinVar aggregate classification (germline): Conflicting classifications of pathogenicity. Review status: criteria provided, conflicting classifications (1 of 4 stars). 7 submissions from 7 submitters: Uncertain significance (6); Benign (1). Last evaluated 2026-05-05.

Conditions:
Chuvash polycythemia. Also called: POLYCYTHEMIA, VHL-DEPENDENT. Identifiers: Orphanet 238557, MedGen C1837915, MONDO:0009892, OMIM 263400.
Pheochromocytoma. Also called: MAX-Related Hereditary Paraganglioma-Pheochromocytoma Syndrome. Identifiers: Orphanet 29072, MedGen C0031511, MONDO:0008233, OMIM 171300, HP:0002666.
Nonpapillary renal cell carcinoma. Identifiers: Orphanet 422526, MedGen CN074294, MONDO:0007763, OMIM 144700.
Von Hippel-Lindau syndrome (VHLS). Also called: Von Hippel-Lindau; VHL syndrome; von Hippel–Lindau syndrome. Identifiers: Orphanet 892, MedGen C0019562, MONDO:0008667, OMIM 193300. Disease mechanism: loss of function.
Hereditary cancer-predisposing syndrome. Also called: Tumor predisposition; Hereditary Cancer Syndrome; Neoplastic Syndromes, Hereditary; Hereditary neoplastic syndrome. Identifiers: Orphanet 140162, MedGen C0027672, MeSH D009386, MONDO:0015356.

Allele frequency attached by ClinVar (database versions not stated): gnomAD exomes 0.00001.
gnomAD v4.1: 24 of 1,605,474 alleles (0.0015%); highest among the groups gnomAD compares: Non-Finnish European, 0.0019%; no homozygotes.

Submissions (7):

Ambry Genetics
Classification: Benign for Hereditary cancer-predisposing syndrome. Last evaluated: 2026-05-05. Review status: criteria provided, single submitter. Criteria: Ambry Variant Classification Scheme 2023. Collection method: clinical testing. Allele origin: germline.

Labcorp Genetics (formerly Invitae), Labcorp
Classification: Uncertain significance for Von Hippel-Lindau syndrome; Chuvash polycythemia. Last evaluated: 2026-01-05. Review status: criteria provided, single submitter. Criteria: Invitae Variant Classification Sherloc (09022015). Collection method: clinical testing. Allele origin: germline.
Comment: This sequence change replaces arginine, which is basic and polar, with glycine, which is neutral and non-polar, at codon 69 of the VHL protein (p.Arg69Gly). This variant is present in population databases (no rsID available, gnomAD 0.003%). This variant has not been reported in the literature in individuals affected with VHL-related conditions. ClinVar contains an entry for this variant (Variation ID: 573437). Invitae Evidence Modeling of protein sequence and biophysical properties (such as structural, functional, and spatial information, amino acid conservation, physicochemical variation, residue mobility, and thermodynamic stability) indicates that this missense variant is expected to disrupt VHL protein function with a positive predictive value of 95%. In summary, the available evidence is currently insufficient to determine the role of this variant in disease. Therefore, it has been classified as a Variant of Uncertain Significance.

Quest Diagnostics Nichols Institute San Juan Capistrano
Classification: Uncertain significance. Last evaluated: 2024-12-04. Review status: criteria provided, single submitter. Criteria: Quest Diagnostics criteria. Collection method: clinical testing. Allele origin: unknown.

Baylor Genetics
Classification: Uncertain significance for Chuvash polycythemia. Last evaluated: 2024-03-25. Review status: criteria provided, single submitter. Criteria: ACMG Guidelines, 2015. Collection method: clinical testing. Allele origin: unknown.

All of Us Research Program, National Institutes of Health
Classification: Uncertain significance for Von Hippel-Lindau syndrome. Last evaluated: 2024-03-05. Review status: criteria provided, single submitter. Criteria: ACMG Guidelines, 2015. Collection method: clinical testing. Allele origin: germline. Inheritance: Autosomal dominant inheritance. Observed: 1 variant allele, 1 heterozygote.
Comment: This study involves interpretation of variants in research participants for the purpose of population health screening. Participant phenotype was not available at the time of variant classification. Additional details can be found in publication PMID: 35346344, PMCID: PMC8962531

GeneDx
Classification: Uncertain significance. Last evaluated: 2023-09-28. Review status: criteria provided, single submitter. Criteria: GeneDx Variant Classification Process June 2021. Collection method: clinical testing. Allele origin: germline. Affected: yes.
Comment: Not observed at significant frequency in large population cohorts (gnomAD); In silico analysis supports that this missense variant has a deleterious effect on protein structure/function; Has not been previously published as pathogenic or benign to our knowledge; This variant is associated with the following publications: (PMID: Oo2020[Abstract])

Fulgent Genetics
Classification: Uncertain significance for Nonpapillary renal cell carcinoma; Pheochromocytoma; Von Hippel-Lindau syndrome; Chuvash polycythemia. Last evaluated: 2018-10-31. Review status: criteria provided, single submitter. Criteria: ACMG Guidelines, 2015. Collection method: clinical testing. Allele origin: unknown.

Literature cited by the submitters: PubMed 38969834 (cited by Ambry Genetics).